The following is an entry in ClinVar:

ClinVar aggregate classification (germline): Benign (1 of 4 stars; one submission).

Allele frequency attached by ClinVar (database versions not stated): ExAC 0.00004; gnomAD 0.00004 and 0.00007; TOPMed 0.00005; gnomAD exomes 0.00006 and 0.00007; ESP Exome Variant Server 0.00008; 1000 Genomes Project 0.00020; 1000 Genomes Project 30x 0.00031.
gnomAD v4.1: 113 of 1,592,354 alleles (0.0071%); highest among the groups gnomAD compares: East Asian, 0.036%; 1 homozygote.

Submission:

GeneDx
Classification: Benign. Last evaluated: 2015-01-06. Review status: criteria provided, single submitter. Criteria: GeneDx Variant Classification (06012015). Collection method: clinical testing. Allele origin: germline. Affected: yes.
Comment: This variant is considered likely benign or benign based on one or more of the following criteria: it is a conservative change, it occurs at a poorly conserved position in the protein, it is predicted to be benign by multiple in silico algorithms, and/or has population frequency not consistent with disease.

NM_018941.4(CLN8):c.-46C>T

Gene: CLN8 (CLN8 transmembrane ER and ERGIC protein; plus strand). Cytogenetic location: 8p23.3.
Variant type: single nucleotide variant.
Coding change: c.-46C>T on transcript NM_018941.4 (MANE Select); 46 bases upstream of the start codon, C replaced by T.
Molecular consequence: 5 prime UTR variant.
Genome position (GRCh38, 1-based): chr8:1,771,009, C>T. VCF-style: chr8-1771009-C-T. GRCh37 (hg19) VCF-style: chr8-1719175-C-T.
Identifiers: ClinVar variation 205188 (VCV000205188.1), dbSNP rs374522261, ClinGen allele CA314000.